The following is an entry in ClinVar:

NM_153240.5(NPHP3):c.3339C>A (p.Asp1113Glu)

Genes: NPHP3 (nephrocystin 3; minus strand), NPHP3-ACAD11 (NPHP3-ACAD11 readthrough (NMD candidate); minus strand). Cytogenetic location: 3q22.1.
Variant type: single nucleotide variant.
Coding change: c.3339C>A on transcript NM_153240.5 (MANE Select); coding-DNA position 3339, C replaced by A.
Protein change: p.Asp1113Glu; replaces aspartic acid 1113 with glutamic acid.
Molecular consequence: missense variant. On other transcripts: non-coding transcript variant (1).
Genome position (GRCh38, 1-based): chr3:132,684,785, G>T on the plus strand (C>A on the coding strand, the complement: NPHP3 is on the minus strand). VCF-style: chr3-132684785-G-T. GRCh37 (hg19) VCF-style: chr3-132403629-G-T.
Other names: c.3339C>A (NM_153240.4); short protein forms D1113E.
Identifiers: ClinVar variation 1525682 (VCV001525682.6), dbSNP rs768124745, ClinGen allele CA2621762.

ClinVar aggregate classification (germline): Conflicting classifications of pathogenicity. Review status: criteria provided, conflicting classifications (1 of 4 stars). 3 submissions from 3 submitters: Uncertain significance (2); Likely benign (1). Last evaluated 2025-07-31.

Conditions:
Inborn genetic diseases. Identifiers: MedGen C0950123, MeSH D030342.
Nephronophthisis. Also called: Juvenile Nephronophthisis. Identifiers: Orphanet 655, MedGen C0687120, MONDO:0019005, HP:0000090.

Allele frequency attached by ClinVar (database versions not stated): ExAC 0.00001; gnomAD exomes 0.00001 and 0.00005; TOPMed 0.00002; gnomAD 0.00003.
gnomAD v4.1: 84 of 1,613,092 alleles (0.0052%); highest among the groups gnomAD compares: Non-Finnish European, 0.0063%; no homozygotes.

Submissions (3):

Ambry Genetics
Classification: Likely benign for Inborn genetic diseases. Last evaluated: 2025-07-31. Review status: criteria provided, single submitter. Criteria: Ambry Variant Classification Scheme 2023. Collection method: clinical testing. Allele origin: germline.

Labcorp Genetics (formerly Invitae), Labcorp
Classification: Uncertain significance for Nephronophthisis. Last evaluated: 2024-04-29. Review status: criteria provided, single submitter. Criteria: Invitae Variant Classification Sherloc (09022015). Collection method: clinical testing. Allele origin: germline.
Comment: This sequence change replaces aspartic acid, which is acidic and polar, with glutamic acid, which is acidic and polar, at codon 1113 of the NPHP3 protein (p.Asp1113Glu). This variant is present in population databases (rs768124745, gnomAD 0.0009%). This variant has not been reported in the literature in individuals affected with NPHP3-related conditions. ClinVar contains an entry for this variant (Variation ID: 1525682). Advanced modeling of protein sequence and biophysical properties (such as structural, functional, and spatial information, amino acid conservation, physicochemical variation, residue mobility, and thermodynamic stability) performed at Invitae indicates that this missense variant is expected to disrupt NPHP3 protein function with a positive predictive value of 80%. In summary, the available evidence is currently insufficient to determine the role of this variant in disease. Therefore, it has been classified as a Variant of Uncertain Significance.

GeneDx
Classification: Uncertain significance. Last evaluated: 2022-07-21. Review status: criteria provided, single submitter. Criteria: GeneDx Variant Classification Process June 2021. Collection method: clinical testing. Allele origin: germline. Affected: yes.
Comment: Not observed at significant frequency in large population cohorts (gnomAD); In silico analysis supports that this missense variant does not alter protein structure/function; Has not been previously published as pathogenic or benign to our knowledge